The following is an entry in ClinVar:

ClinVar aggregate classification (germline): Pathogenic (1 of 4 stars; one submission).

Conditions:
Fabry disease. Also called: ALPHA-GALACTOSIDASE A DEFICIENCY; ANDERSON-FABRY DISEASE; CERAMIDE TRIHEXOSIDASE DEFICIENCY; GLA DEFICIENCY; HEREDITARY DYSTOPIC LIPIDOSIS; Angiokeratoma corporis diffusum. Identifiers: Orphanet 324, MedGen C0002986, MONDO:0010526, OMIM 301500, HP:0001071. Disease mechanism: Fabry disease is due to inactivating mutations in the X-linked GLA gene resulting in deficiency of the enzyme Alpha Galactosidase-A., loss of function.

Submission:

Genomenon, Inc
Classification: Pathogenic for Fabry disease. Last evaluated: 2026-09-08. Review status: criteria provided, single submitter. Criteria: Genomenon Sequence Variant Interpretation Standards - Updated. Collection method: curation. Allele origin: germline. Affected: yes.
Comment: GLA p.His9IlefsTer112 (c.25del) is a frameshift variant that is predicted to introduce a premature termination codon and result in a truncated or absent protein product. This variant has been observed in at least one proband with clinical features consistent with Fabry disease (PMID:33204599;38444573). Functional or patient cell studies have been reported (PMID:33204599). It is absent or not present at a significant frequency in gnomAD. In conclusion, we classify GLA p.His9IlefsTer112 (c.25del) as a pathogenic variant.

Literature cited by the submitters: PubMed 33204599; PubMed 38444573.

NM_000169.3(GLA):c.25del (p.His9fs)

Genes: GLA (galactosidase alpha; minus strand), RPL36A-HNRNPH2 (RPL36A-HNRNPH2 readthrough; plus strand). Cytogenetic location: Xq22.1.
Variant type: Deletion.
Coding change: c.25del on transcript NM_000169.3 (MANE Select); coding-DNA position 25, one base deleted (C; older notation c.25delC).
Protein change: p.His9fs; shifts the reading frame from histidine 9.
Molecular consequence: frameshift variant. On other transcripts: non-coding transcript variant (3), intron variant (2).
Genome position (GRCh38, 1-based): chrX:101,407,879, G deleted on the plus strand (C on the coding strand, the reverse complement: GLA is on the minus strand). VCF-style (leftmost placement, unchanged base first): chrX-101407878-TG-T. GRCh37 (hg19) VCF-style: chrX-100662866-TG-T.
Other names: c.25del, p.His9fs (NM_001406747.1, NM_001406748.1, NM_001406749.1); c.301-4057del (NM_001199973.2); c.178-4057del (NM_001199974.2); short protein forms H9fs.
Identifiers: ClinVar variation 4087251 (VCV004087251.2).